The following is an entry in ClinVar:

NM_207037.2(TCF12):c.1934A>C (p.His645Pro)

Gene: TCF12 (transcription factor 12; plus strand). Cytogenetic location: 15q21.3.
Variant type: single nucleotide variant.
Coding change: c.1934A>C on transcript NM_207037.2 (MANE Select); coding-DNA position 1934, A replaced by C.
Protein change: p.His645Pro; replaces histidine 645 with proline.
Molecular consequence: missense variant.
Genome position (GRCh38, 1-based): chr15:57,273,218, A>C. VCF-style: chr15-57273218-A-C. GRCh37 (hg19) VCF-style: chr15-57565416-A-C.
Other names: c.1424A>C, p.His475Pro (NM_001306219.3); c.1154A>C, p.His385Pro (NM_001306220.3); c.1934A>C, p.His645Pro (NM_001322151.2, NM_001322159.3, NM_001322162.2 and 1 more transcripts); c.1931A>C, p.His644Pro (NM_001322152.2, NM_001322161.2); c.1277A>C, p.His426Pro (NM_001322154.2); c.1760A>C, p.His587Pro (NM_001322156.2); c.1862A>C, p.His621Pro (NM_001322157.3, NM_001322165.2, NM_003205.4 and 1 more transcripts); c.1688A>C, p.His563Pro (NM_001322158.2); and 2 more; short protein forms H385P, H426P, H451P, H475P, H563P, H587P, H621P, H633P.
Identifiers: ClinVar variation 4975331 (VCV004975331.1).

ClinVar aggregate classification (germline): Uncertain significance (1 of 4 stars; one submission).

gnomAD v4.1: 1 of 1,614,202 alleles (0.000062%); highest among the groups gnomAD compares: Non-Finnish European, 0.000085%; no homozygotes.

Submission:

GeneDx
Classification: Uncertain significance. Last evaluated: 2026-01-21. Review status: criteria provided, single submitter. Criteria: GeneDx Variant Classification Process June 2021. Collection method: clinical testing. Allele origin: germline.
Comment: Not observed at significant frequency in large population cohorts (gnomAD); In silico analysis supports that this missense variant has a deleterious effect on protein structure/function; Has not been previously published as pathogenic or benign to our knowledge